The following is an entry in ClinVar:

NM_004656.4(BAP1):c.788dup (p.Arg264fs)

Gene: BAP1 (BRCA1 associated deubiquitinase 1; minus strand). Cytogenetic location: 3p21.1.
Variant type: Duplication.
Coding change: c.788dup on transcript NM_004656.4 (MANE Select); coding-DNA position 788, one base duplicated (T; older notation c.788dupT).
Protein change: p.Arg264fs; shifts the reading frame from arginine 264.
Molecular consequence: frameshift variant.
Genome position (GRCh38, 1-based): chr3:52,405,908, A duplicated on the plus strand (T on the coding strand, the reverse complement: BAP1 is on the minus strand). VCF-style (leftmost placement, unchanged base first): chr3-52405907-T-TA. GRCh37 (hg19) VCF-style: chr3-52439923-T-TA.
Other names: c.734dup, p.Arg246fs (NM_001410772.1); c.788dupT (NM_004656.2); short protein forms R246fs, R264fs.
Identifiers: ClinVar variation 4867339 (VCV004867339.1).

ClinVar aggregate classification (germline): Pathogenic (1 of 4 stars; one submission).

Conditions:
Hereditary cancer-predisposing syndrome. Also called: Neoplastic Syndromes, Hereditary; Tumor predisposition; Hereditary Cancer Syndrome; Hereditary neoplastic syndrome. Identifiers: Orphanet 140162, MedGen C0027672, MeSH D009386, MONDO:0015356.

Submission:

Ambry Genetics
Classification: Pathogenic for Hereditary cancer-predisposing syndrome. Last evaluated: 2026-03-27. Review status: criteria provided, single submitter. Criteria: Ambry Variant Classification Scheme 2023. Collection method: clinical testing. Allele origin: germline.
Comment: The c.788dupT pathogenic mutation, located in coding exon 10 of the BAP1 gene, results from a duplication of T at nucleotide position 788, causing a translational frameshift with a predicted alternate stop codon (p.R264Kfs*20). This variant is considered to be rare based on population cohorts in the Genome Aggregation Database (gnomAD). This alteration is expected to result in loss of function by premature protein truncation or nonsense-mediated mRNA decay. As such, this alteration is interpreted as a disease-causing mutation.